The following is an entry in ClinVar:

NM_022437.3(ABCG8):c.833G>T (p.Arg278Met)

Gene: ABCG8 (ATP binding cassette subfamily G member 8; plus strand). Cytogenetic location: 2p21.
Variant type: single nucleotide variant.
Coding change: c.833G>T on transcript NM_022437.3 (MANE Select); coding-DNA position 833, G replaced by T.
Protein change: p.Arg278Met; replaces arginine 278 with methionine.
Molecular consequence: missense variant.
Genome position (GRCh38, 1-based): chr2:43,852,737, G>T. VCF-style: chr2-43852737-G-T. GRCh37 (hg19) VCF-style: chr2-44079876-G-T.
Other names: c.833G>T, p.Arg278Met (NM_001357321.2); short protein forms R278M.
Identifiers: ClinVar variation 3420709 (VCV003420709.1).

ClinVar aggregate classification (germline): Uncertain significance (1 of 4 stars; one submission).

Conditions:
Cardiovascular phenotype. Identifiers: MedGen CN230736.

Submission:

Ambry Genetics
Classification: Uncertain significance for Cardiovascular phenotype. Last evaluated: 2024-12-08. Review status: criteria provided, single submitter. Criteria: Ambry Variant Classification Scheme 2023. Collection method: clinical testing. Allele origin: germline.
Comment: The p.R278M variant (also known as c.833G>T), located in coding exon 6 of the ABCG8 gene, results from a G to T substitution at nucleotide position 833. The arginine at codon 278 is replaced by methionine, an amino acid with similar properties. This amino acid position is conserved. In addition, this alteration is predicted to be tolerated by in silico analysis. Based on the available evidence, the clinical significance of this variant remains unclear.